The following is an entry in ClinVar:

NM_001122769.3(LCA5):c.1481_1482del (p.Asp494fs)

Gene: LCA5 (lebercilin LCA5; minus strand). Cytogenetic location: 6q14.1.
Variant type: Deletion.
Coding change: c.1481_1482del on transcript NM_001122769.3 (MANE Select); coding-DNA positions 1481 to 1482, 2 bases deleted (AT; older notation c.1481_1482delAT).
Protein change: p.Asp494fs; shifts the reading frame from aspartic acid 494.
Molecular consequence: frameshift variant.
Genome position (GRCh38, 1-based): chr6:79,487,616-79,487,617, AT deleted on the plus strand (AT on the coding strand, the reverse complement: LCA5 is on the minus strand). VCF-style (leftmost placement, unchanged base first): chr6-79487615-AAT-A. GRCh37 (hg19) VCF-style: chr6-80197332-AAT-A.
Other names: c.1481_1482del, p.Asp494fs (NM_181714.4); short protein forms D494fs.
Identifiers: ClinVar variation 2036012 (VCV002036012.4), dbSNP rs2533369891, ClinGen allele CA2580075901.

ClinVar aggregate classification (germline): Pathogenic (1 of 4 stars; one submission).

Submission:

Labcorp Genetics (formerly Invitae), Labcorp
Classification: Pathogenic. Last evaluated: 2022-10-18. Review status: criteria provided, single submitter. Criteria: Invitae Variant Classification Sherloc (09022015). Collection method: clinical testing. Allele origin: germline.
Comment: This variant disrupts a region of the LCA5 protein in which other variant(s) (p.Lys586*) have been determined to be pathogenic (PMID: 23946133, 27624628). This suggests that this is a clinically significant region of the protein, and that variants that disrupt it are likely to be disease-causing. For these reasons, this variant has been classified as Pathogenic. This variant has not been reported in the literature in individuals affected with LCA5-related conditions. This variant is not present in population databases (gnomAD no frequency). This sequence change creates a premature translational stop signal (p.Asp494Valfs*2) in the LCA5 gene. While this is not anticipated to result in nonsense mediated decay, it is expected to disrupt the last 204 amino acid(s) of the LCA5 protein.

Literature cited by the submitters: PubMed 23946133; PubMed 27624628.